The following is an entry in ClinVar:

NM_004006.3(DMD):c.4845+4A>T

Gene: DMD (dystrophin; minus strand). Cytogenetic location: Xp21.1.
Variant type: single nucleotide variant.
Coding change: c.4845+4A>T on transcript NM_004006.3 (MANE Select); 4 bases into the intron after coding-DNA position 4845, A replaced by T.
Molecular consequence: intron variant.
Genome position (GRCh38, 1-based): chrX:32,380,506, T>A on the plus strand (A>T on the coding strand, the complement: DMD is on the minus strand). VCF-style: chrX-32380506-T-A. GRCh37 (hg19) VCF-style: chrX-32398623-T-A.
Other names: c.4821+4A>T (NM_000109.4); c.822+4A>T (NM_004011.4); c.813+4A>T (NM_004012.4); c.4833+4A>T (NM_004009.3); c.4476+4A>T (NM_004010.3).
Identifiers: ClinVar variation 368245 (VCV000368245.16), dbSNP rs368357171, ClinGen allele CA10378860.
Genomic context (GRCh38, chrX:32,380,506, plus strand): 5'-TTACAAAATCATATTATGTGTTTTCACGTATGTTCAAAATAACCTTCAGTGATATAGGTT[T>A]TACCTTTCCCCAGGCAACTTCAGAATCCAAATTACTAGGCATTCCTTCAACTGCTGATCT-3'

ClinVar aggregate classification (germline): Conflicting classifications of pathogenicity. Review status: criteria provided, conflicting classifications (1 of 4 stars). 3 submissions from 3 submitters: Uncertain significance (2); Likely benign (1). Last evaluated 2025-03-28.

Conditions:
Duchenne muscular dystrophy (DMD). Also called: MUSCULAR DYSTROPHY, PSEUDOHYPERTROPHIC PROGRESSIVE, DUCHENNE TYPE; Duchenne Muscular Dystrophy (DMD). Identifiers: Orphanet 98896, MedGen C0013264, MONDO:0010679, OMIM 310200.
Cardiovascular phenotype. Identifiers: MedGen CN230736.
Dilated cardiomyopathy 3B (CMD3B). Also called: CMD3B: DMD-Related Dilated Cardiomyopathy; CARDIOMYOPATHY, DILATED, X-LINKED; DMD-Associated Dilated Cardiomyopathy. Identifiers: Orphanet 154, MedGen C3668940, MONDO:0010542, OMIM 302045.

Allele frequency attached by ClinVar (database versions not stated): gnomAD exomes below 0.00001 and 0.00001; ExAC 0.00002; TOPMed 0.00002; gnomAD 0.00005; ESP Exome Variant Server 0.00009.
gnomAD v4.1: 9 of 1,207,703 alleles (0.00075%); highest among the groups gnomAD compares: African/African-American, 0.016%; no homozygotes.

Submissions (3):

Ambry Genetics
Classification: Uncertain significance for Cardiovascular phenotype. Last evaluated: 2025-03-28. Review status: criteria provided, single submitter. Criteria: Ambry Variant Classification Scheme 2023. Collection method: clinical testing. Allele origin: germline.
Comment: The c.4845+4A>T intronic variant results from an A to T substitution 4 nucleotides after coding exon 34 in the DMD gene. This nucleotide position is well conserved in available vertebrate species. In silico splice site analysis predicts that this alteration will not have any significant effect on splicing. Based on data from gnomAD, the T allele has an overall frequency of 0.002% (4/204239) total alleles studied, with 3 hemizygotes observed. The highest observed frequency was 0.021% (4/19080) of African alleles. Based on the available evidence, the clinical significance of this variant remains unclear.

Labcorp Genetics (formerly Invitae), Labcorp
Classification: Likely benign for Duchenne muscular dystrophy. Last evaluated: 2025-03-25. Review status: criteria provided, single submitter. Criteria: Invitae Variant Classification Sherloc (09022015). Collection method: clinical testing. Allele origin: germline.

Illumina Laboratory Services, Illumina
Classification: Uncertain significance for Dilated cardiomyopathy 3B. Last evaluated: 2018-01-12. Review status: criteria provided, single submitter. Criteria: ICSL Variant Classification Criteria 13 December 2019. Collection method: clinical testing. Allele origin: germline.